The following is an entry in ClinVar:

NM_001289104.2(PRKCSH):c.1098CGA[1] (p.Asp367del)

Gene: PRKCSH (PRKCSH beta subunit of glucosidase II; plus strand). Cytogenetic location: 19p13.2.
Variant type: Microsatellite.
Coding change: c.1098CGA[1] on transcript NM_001289104.2 (MANE Select); one copy of the 3-base unit CGA starting at c.1098; the reference has two copies in a row; one copy, 3 bases deleted.
Protein change: p.Asp367del; deletes aspartic acid 367.
Molecular consequence: inframe deletion.
Genome position (GRCh38, 1-based): chr19:11,447,764-11,447,766, CGA deleted; deleting any 3 consecutive bases within chr19:11,447,760-11,447,766 gives the same sequence; the position shown is the placement nearest the transcript's 3' end. VCF-style (leftmost placement, unchanged base first): chr19-11447759-TACG-T. GRCh37 (hg19) VCF-style: chr19-11558574-TACG-T.
Other names: c.1080_1082del (NM_002743.3); c.1068CGA[1], p.Asp357del (NM_001001329.3, NM_001289102.2, NM_001379609.1); c.1098CGA[1], p.Asp367del (NM_001289103.2); c.1077CGA[1], p.Asp360del (NM_001379608.1, NM_002743.3); short protein forms D360del, D367del, D357del.
Identifiers: ClinVar variation 2718638 (VCV002718638.4), dbSNP rs1307061017, ClinGen allele CA631782869.

ClinVar aggregate classification (germline): Uncertain significance. Review status: criteria provided, multiple submitters, no conflicts (2 of 4 stars). 2 submissions from 2 submitters: Uncertain significance (2). Last evaluated 2024-07-30.

Conditions:
Polycystic liver disease 1 (PCLD1). Also called: Polycystic liver disease 1 with or without kidney cysts. Identifiers: Orphanet 2924, MedGen C0887850, MONDO:0008265, OMIM 174050.

Submissions (2):

Labcorp Genetics (formerly Invitae), Labcorp
Classification: Uncertain significance. Last evaluated: 2024-07-30. Review status: criteria provided, single submitter. Criteria: Invitae Variant Classification Sherloc (09022015). Collection method: clinical testing. Allele origin: germline.
Comment: This variant, c.1080_1082del, results in the deletion of 1 amino acid(s) of the PRKCSH protein (p.Asp360del), but otherwise preserves the integrity of the reading frame. This variant is present in population databases (no rsID available, gnomAD 0.004%). This variant has not been reported in the literature in individuals affected with PRKCSH-related conditions. Experimental studies and prediction algorithms are not available or were not evaluated, and the functional significance of this variant is currently unknown. In summary, the available evidence is currently insufficient to determine the role of this variant in disease. Therefore, it has been classified as a Variant of Uncertain Significance.

Fulgent Genetics
Classification: Uncertain significance for Polycystic liver disease 1. Last evaluated: 2024-04-09. Review status: criteria provided, single submitter. Criteria: ACMG Guidelines, 2015. Collection method: clinical testing. Allele origin: germline.